The following is an entry in ClinVar:

NM_000288.4(PEX7):c.903+2T>G

Gene: PEX7 (peroxisomal biogenesis factor 7; plus strand). Cytogenetic location: 6q23.3.
Variant type: single nucleotide variant.
Coding change: c.903+2T>G on transcript NM_000288.4 (MANE Select); the canonical splice donor site of the intron after coding-DNA position 903, T replaced by G.
Molecular consequence: splice donor variant.
Genome position (GRCh38, 1-based): chr6:136,898,243, T>G. VCF-style: chr6-136898243-T-G. GRCh37 (hg19) VCF-style: chr6-137219381-T-G.
Other names: c.789+2T>G (NM_001410945.1).
Identifiers: ClinVar variation 4059703 (VCV004059703.2).

ClinVar aggregate classification (germline): Pathogenic (1 of 4 stars; one submission).

Conditions:
Rhizomelic chondrodysplasia punctata (RCDP). Identifiers: Orphanet 177, MedGen C0282529, MONDO:0015776. Disease mechanism: loss of function.

Submission:

Natera, Inc.
Classification: Pathogenic for Rhizomelic Chondrodysplasia Punctata. Last evaluated: 2025-01-15. Review status: criteria provided, single submitter. Criteria: Natera Variant Classification Schema (03/2026). Collection method: clinical testing. Allele origin: germline.
Comment: The c.903+2T>G variant in PEX7 is a canonical splice donor site variant predicted to affect pre-mRNA splicing, which may result in an abnormal transcript and altered protein product. This variant is expected to result in nonsense mediated decay, truncation, or a dysfunctional protein product. This variant is rare in the general population with a frequency below the threshold expected for the associated phenotype(s). Another variant at this same site results in an alteration predicted to cause a similar molecular effect has been observed in individual(s) with the associated phenotype. Given the available evidence, this variant is classified as Pathogenic.